The following is an entry in ClinVar:

NM_014727.3(KMT2B):c.865G>A (p.Gly289Ser)

Gene: KMT2B (lysine methyltransferase 2B; plus strand). Cytogenetic location: 19q13.12.
Variant type: single nucleotide variant.
Coding change: c.865G>A on transcript NM_014727.3 (MANE Select); coding-DNA position 865, G replaced by A.
Protein change: p.Gly289Ser; replaces glycine 289 with serine.
Molecular consequence: missense variant.
Genome position (GRCh38, 1-based): chr19:35,720,212, G>A. VCF-style: chr19-35720212-G-A. GRCh37 (hg19) VCF-style: chr19-36211114-G-A.
Other names: short protein forms G289S.
Identifiers: ClinVar variation 4527756 (VCV004527756.1).

ClinVar aggregate classification (germline): Uncertain significance (1 of 4 stars; one submission).

Submission:

GeneDx
Classification: Uncertain significance. Last evaluated: 2025-04-30. Review status: criteria provided, single submitter. Criteria: GeneDx Variant Classification Process June 2021. Collection method: clinical testing. Allele origin: germline. Affected: yes.
Comment: Not observed at significant frequency in large population cohorts (gnomAD); In silico analysis indicates that this missense variant does not alter protein structure/function; Has not been previously published as pathogenic or benign to our knowledge